The following is an entry in ClinVar:

ClinVar aggregate classification (germline): Uncertain significance (1 of 4 stars; one submission).

Submission:

Ambry Genetics
Classification: Uncertain significance. Last evaluated: 2024-12-23. Review status: criteria provided, single submitter. Criteria: Ambry Variant Classification Scheme 2023. Collection method: clinical testing. Allele origin: germline.
Comment: The p.K487N variant (also known as c.1461G>C), located in coding exon 6 of the WNK2 gene, results from a G to C substitution at nucleotide position 1461. The lysine at codon 487 is replaced by asparagine, an amino acid with similar properties. This amino acid position is conserved. In addition, this alteration is predicted to be tolerated by in silico analysis. Based on the available evidence, the clinical significance of this variant remains unclear.

NM_006648.4(WNK2):c.1461G>C (p.Lys487Asn)

Gene: WNK2 (WNK lysine deficient protein kinase 2; plus strand). Cytogenetic location: 9q22.31.
Variant type: single nucleotide variant.
Coding change: c.1461G>C on transcript NM_006648.4 (MANE Select); coding-DNA position 1461, G replaced by C.
Protein change: p.Lys487Asn; replaces lysine 487 with asparagine.
Molecular consequence: missense variant.
Genome position (GRCh38, 1-based): chr9:93,239,895, G>C. VCF-style: chr9-93239895-G-C. GRCh37 (hg19) VCF-style: chr9-96002177-G-C.
Other names: c.1461G>C, p.Lys487Asn (NM_001282394.3); short protein forms K487N.
Identifiers: ClinVar variation 3816618 (VCV003816618.1).